The following is an entry in ClinVar:

NM_001197104.2(KMT2A):c.4988T>A (p.Leu1663Ter)

Gene: KMT2A (lysine methyltransferase 2A; plus strand). Cytogenetic location: 11q23.3.
Variant type: single nucleotide variant.
Coding change: c.4988T>A on transcript NM_001197104.2 (MANE Select); coding-DNA position 4988, T replaced by A.
Protein change: p.Leu1663Ter; replaces leucine 1663 with a stop codon.
Molecular consequence: nonsense.
Genome position (GRCh38, 1-based): chr11:118,491,912, T>A. VCF-style: chr11-118491912-T-A. GRCh37 (hg19) VCF-style: chr11-118362627-T-A.
Other names: c.4979T>A, p.Leu1660Ter (NM_005933.4); short protein forms L1663*, L1660*.
Identifiers: ClinVar variation 620186 (VCV000620186.1), dbSNP rs1565294188, ClinGen allele CA382836387.

ClinVar aggregate classification (germline): Pathogenic (1 of 4 stars; one submission).

Submission:

GeneDx
Classification: Pathogenic. Last evaluated: 2018-03-08. Review status: criteria provided, single submitter. Criteria: GeneDx Variant Classification (06012015). Collection method: clinical testing. Allele origin: germline. Affected: yes.
Comment: The L1663X nonsense variant in the KMT2A gene is predicted to cause loss of normal protein function either through protein truncation or nonsense-mediated mRNA decay. The KMT2A variant is not observed in large population cohorts (Lek et al., 2016).